The following is an entry in ClinVar:

NM_021922.3(FANCE):c.1237+1G>A

Gene: FANCE (FA complementation group E; plus strand). Cytogenetic location: 6p21.31.
Variant type: single nucleotide variant.
Coding change: c.1237+1G>A on transcript NM_021922.3 (MANE Select); the canonical splice donor site of the intron after coding-DNA position 1237, G replaced by A.
Molecular consequence: splice donor variant.
Genome position (GRCh38, 1-based): chr6:35,459,455, G>A. VCF-style: chr6-35459455-G-A. GRCh37 (hg19) VCF-style: chr6-35427232-G-A.
Other names: c.1237+1G>A (NM_001410876.1).
Identifiers: ClinVar variation 2675534 (VCV002675534.5), dbSNP rs1767499634, ClinGen allele CA363776947.
Genomic context (GRCh38, chr6:35,459,455, plus strand): 5'-AATATACATACCCTGTCTGCAGCGCCCTCCTTGACCCTGTGCTCCAGGCCCCAGGCACAG[G>A]TAATTCTGGAACCAGCCCCAGGCCCAGTAGCTCTGCCCTCAGTGTTCTCAGCATCCTTCA-3'

ClinVar aggregate classification (germline): Pathogenic/Likely pathogenic. Review status: criteria provided, multiple submitters, no conflicts (2 of 4 stars). 3 submissions from 3 submitters: Pathogenic (1); Likely pathogenic (2). Last evaluated 2025-09-10.

Conditions:
Fanconi anemia complementation group E (FANCE). Also called: FANCE-Related Fanconi Anemia. Identifiers: Orphanet 84, MedGen C3160739, MONDO:0010953, OMIM 600901.

Allele frequency attached by ClinVar (database versions not stated): gnomAD exomes below 0.00001.
gnomAD v4.1: 3 of 1,613,964 alleles (0.00019%); highest among the groups gnomAD compares: Middle Eastern, 0.016%; no homozygotes.

Submissions (3):

Genomic Medicine Center of Excellence, King Faisal Specialist Hospital and Research Centre
Classification: Pathogenic for Fanconi anemia complementation group E. Last evaluated: 2025-09-10. Review status: criteria provided, single submitter. Criteria: ACMG Guidelines, 2015. Collection method: clinical testing. Allele origin: germline.

Baylor Genetics
Classification: Likely pathogenic for Fanconi anemia complementation group E. Last evaluated: 2023-09-13. Review status: criteria provided, single submitter. Criteria: ACMG Guidelines, 2015. Collection method: clinical testing. Allele origin: unknown.

Labcorp Genetics (formerly Invitae), Labcorp
Classification: Likely pathogenic for Fanconi anemia complementation group E. Last evaluated: 2023-04-04. Review status: criteria provided, single submitter. Criteria: Invitae Variant Classification Sherloc (09022015). Collection method: clinical testing. Allele origin: germline.
Comment: In summary, the currently available evidence indicates that the variant is pathogenic, but additional data are needed to prove that conclusively. Therefore, this variant has been classified as Likely Pathogenic. Algorithms developed to predict the effect of sequence changes on RNA splicing suggest that this variant may disrupt the consensus splice site. This variant has not been reported in the literature in individuals affected with FANCE-related conditions. This variant is not present in population databases (gnomAD no frequency). This sequence change affects a donor splice site in intron 6 of the FANCE gene. It is expected to disrupt RNA splicing. Variants that disrupt the donor or acceptor splice site typically lead to a loss of protein function (PMID: 16199547), and loss-of-function variants in FANCE are known to be pathogenic (PMID: 11001585, 17924555).

Literature cited by the submitters: PubMed 16199547 (cited by Labcorp Genetics (formerly Invitae), Labcorp); PubMed 11001585 (cited by Labcorp Genetics (formerly Invitae), Labcorp); PubMed 17924555 (cited by Labcorp Genetics (formerly Invitae), Labcorp).